The following is an entry in ClinVar:

ClinVar aggregate classification (germline): Benign. Review status: criteria provided, multiple submitters, no conflicts (2 of 4 stars). 2 submissions from 2 submitters: Benign (2). Last evaluated 2018-06-14.

Allele frequency attached by ClinVar (database versions not stated): 1000 Genomes Project 0.02117; 1000 Genomes Project 30x 0.02249; TOPMed 0.03147; gnomAD 0.03151.
gnomAD v4.1: 4,960 of 152,148 alleles (3.3%); highest among the groups gnomAD compares: Middle Eastern, 8.6%; 107 homozygotes.

Submissions (2):

GeneDx
Classification: Benign. Last evaluated: 2018-06-14. Review status: criteria provided, single submitter. Criteria: GeneDx Variant Classification (06012015). Collection method: clinical testing. Allele origin: germline. Affected: yes.
Comment: This variant is considered likely benign or benign based on one or more of the following criteria: it is a conservative change, it occurs at a poorly conserved position in the protein, it is predicted to be benign by multiple in silico algorithms, and/or has population frequency not consistent with disease.

Athena Diagnostics
Classification: Benign. Last evaluated: 2018-05-24. Review status: criteria provided, single submitter. Criteria: Athena Diagnostics Criteria. Collection method: clinical testing. Allele origin: germline.

NM_001854.4(COL11A1):c.3708+414C>T

Gene: COL11A1 (collagen type XI alpha 1 chain; minus strand). Cytogenetic location: 1p21.1.
Variant type: single nucleotide variant.
Coding change: c.3708+414C>T on transcript NM_001854.4 (MANE Select); 414 bases into the intron after coding-DNA position 3708, C replaced by T.
Molecular consequence: intron variant.
Genome position (GRCh38, 1-based): chr1:102,921,104, G>A on the plus strand (C>T on the coding strand, the complement: COL11A1 is on the minus strand). VCF-style: chr1-102921104-G-A. GRCh37 (hg19) VCF-style: chr1-103386660-G-A.
Other names: c.3591+414C>T (NM_001190709.2); c.3744+414C>T (NM_080629.3); c.3360+414C>T (NM_080630.4).
Identifiers: ClinVar variation 585676 (VCV000585676.3), dbSNP rs115516103, ClinGen allele CA27682183.